The following continues an entry in ClinVar:

NM_007294.4(BRCA1):c.3048_3052dup (p.Asn1018fs)

Gene: BRCA1. ClinVar aggregate classification (germline): Pathogenic. Pathogenic (1).

Submissions 10 to 24 of 24:

Color Diagnostics, LLC DBA Color Health
Classification: Pathogenic for Hereditary cancer-predisposing syndrome. Last evaluated: 2023-05-03. Review status: criteria provided, single submitter. Criteria: ACMG Guidelines, 2015. Collection method: clinical testing. Allele origin: germline. Not counted in ClinVar's aggregate classification.
Comment: This variant inserts 5 nucleotides in exon 10 of the BRCA1 gene, creating a frameshift and premature translation stop signal. This variant is expected to result in an absent or non-functional protein product. This variant is also known as 3166ins5, 3171ins5, and 3172ins5 in the literature. This variant has been reported in individuals affected with breast and/or ovarian cancer, and in high-risk hereditary breast and ovarian cancer families (PMID: 7837387, 8644702, 11576847, 11781691, 15951958, 18465347, 18559594, 20104584, 20151938, 24504028, 34680387). This variant has been identified recurrently in the Swedish population and has been established as a founder variant (PMID: 8644702, 11576847, 11781691, 15951958, 20151938, 23199084). This variant has been identified in 90 families among the CIMBA participants (PMID: 29446198). This variant has been identified in 4/251144 chromosomes in the general population by the Genome Aggregation Database (gnomAD). Loss of BRCA1 function is a known mechanism of disease. Based on the available evidence, this variant is classified as Pathogenic.

Baylor Genetics
Classification: Pathogenic for Breast-ovarian cancer, familial, susceptibility to, 1. Last evaluated: 2023-04-13. Review status: criteria provided, single submitter. Criteria: ACMG Guidelines, 2015. Collection method: clinical testing. Allele origin: unknown. Not counted in ClinVar's aggregate classification.

Revvity Omics, Revvity
Classification: Pathogenic. Last evaluated: 2022-11-30. Review status: criteria provided, single submitter. Criteria: ACMG Guidelines, 2015. Collection method: clinical testing. Allele origin: germline. Not counted in ClinVar's aggregate classification.

GeneDx
Classification: Pathogenic. Last evaluated: 2021-12-27. Review status: criteria provided, single submitter. Criteria: GeneDx Variant Classification Process June 2021. Collection method: clinical testing. Allele origin: germline. Affected: yes. Not counted in ClinVar's aggregate classification.
Comment: Frameshift variant predicted to result in protein truncation or nonsense mediated decay in a gene for which loss-of-function is a known mechanism of disease; Observed in multiple families with breast, ovarian, and/or pancreatic cancers and is the most common Swedish founder variant (Shattuck-Eidens 1995, Johannsson 1996, Bergman 2001, Cunningham 2014); Not observed at significant frequency in large population cohorts (Lek 2016); Truncating variants in this gene are considered pathogenic by a well-established clinical consortium and/or database; Also known as 3171ins5 or 3166ins5; This variant is associated with the following publications: (PMID: 18465347, 18559594, 24504028, 11781691, 8644702, 7837387, 23199084, 26295337, 24728189, 28152038, 27720647, 11576847, 27836010, 30720243, 29339979, 32719484, 31447099)

Quest Diagnostics Nichols Institute San Juan Capistrano
Classification: Pathogenic. Last evaluated: 2021-09-30. Review status: criteria provided, single submitter. Criteria: Quest Diagnostics criteria. Collection method: clinical testing. Allele origin: unknown. Not counted in ClinVar's aggregate classification.

Laboratory for Molecular Medicine, Mass General Brigham Personalized Medicine
Classification: Pathogenic for Hereditary breast ovarian cancer syndrome. Last evaluated: 2020-06-19. Review status: criteria provided, single submitter. Criteria: ACMG Guidelines, 2015. Collection method: clinical testing. Allele origin: germline. Not counted in ClinVar's aggregate classification.
Comment: The p.Asn1018MetfsX8 variant in BRCA1 has been reported in >40 Caucasian individuals with BRCA1-associated cancers and segregated with disease in > 15 affected relatives (initial description by Shattuck-Eidens 1995 PMID: 7837387). It has also been identified in 0.004% (4/113524) of European chromosomes by gnomAD. This variant was classified as pathogenic on 10/18/16 by the ClinGen-approved ENIGMA expert panel (Variation ID 54763). This variant is predicted to cause a frameshift, which alters the protein’s amino acid sequence beginning at position 1018 and leads to a premature termination codon 8 amino acids downstream. This alteration is then predicted to lead to a truncated or absent protein. Loss of function of the BRCA1 gene is an established disease mechanism in autosomal dominant HBOC. This variant has been characterized by haplotype mapping as a founder mutation in western Sweden, accounting for a majority of BRCA1 variants identified in the region (Bergman 2005 PMID: 15951958). Additional variants involving this codon (c.3052_3053ins5; c.3049_3050ins7; c.3049G>T, p.Glu1017Ter) have been identified in individuals with HBOC and are classified as pathogenic by ClinVar. In summary, this variant meets criteria to be classified as pathogenic for autosomal dominant hereditary breast and ovarian cancer. ACMG/AMP Criteria applied: PVS1, PM2, PS4, PP1_Strong.

Consortium of Investigators of Modifiers of BRCA1/2 (CIMBA), c/o University of Cambridge
Classification: Pathogenic for Breast-ovarian cancer, familial, susceptibility to, 1. Last evaluated: 2015-10-02. Review status: criteria provided, single submitter. Criteria: CIMBA Mutation Classification guidelines May 2016. Collection method: clinical testing. Allele origin: germline. Not counted in ClinVar's aggregate classification.

Department of Medical Genetics, Oslo University Hospital
Classification: Pathogenic for Breast-ovarian cancer, familial, susceptibility to, 1. Last evaluated: 2015-07-01. Review status: criteria provided, single submitter. Criteria: ACMG Guidelines, 2015. Collection method: clinical testing. Allele origin: germline. Affected: yes. Observed: 44 variant alleles. Not counted in ClinVar's aggregate classification.

Clinical Genetics and Genomics, Karolinska University Hospital
Classification: Pathogenic. Last evaluated: 2014-08-22. Review status: criteria provided, single submitter. Criteria: ACMG Guidelines, 2015. Collection method: clinical testing. Allele origin: germline. Affected: yes. Observed: 44 variant alleles. Not counted in ClinVar's aggregate classification.

BRCAlab, Lund University
Classification: Pathogenic for Breast-ovarian cancer, familial, susceptibility to, 1. Last evaluated: 2022-08-26. Review status: no assertion criteria provided. Collection method: clinical testing. Allele origin: germline. Affected: yes. Not counted in ClinVar's aggregate classification.

Pathway Genomics
Classification: Pathogenic for Breast-ovarian cancer, familial 1. Last evaluated: 2014-07-24. Review status: no assertion criteria provided. Collection method: clinical testing. Allele origin: germline. Not counted in ClinVar's aggregate classification.

Research Molecular Genetics Laboratory, Women's College Hospital, University of Toronto
Classification: Pathogenic for Hereditary breast ovarian cancer syndrome. Last evaluated: 2014-01-31. Review status: no assertion criteria provided. Collection method: research. Allele origin: germline. Affected: yes. Study: The Canadian Open Genetics Repository (COGR). Not counted in ClinVar's aggregate classification.

Breast Cancer Information Core (BIC) (BRCA1)
Classification: Pathogenic for Breast-ovarian cancer, familial 1. Last evaluated: 2002-05-29. Review status: no assertion criteria provided. Collection method: clinical testing. Allele origin: germline. Affected: yes. Observed: 25 variant alleles. Not counted in ClinVar's aggregate classification.

OMIM
Classification: Pathogenic for BREAST-OVARIAN CANCER, FAMILIAL, SUSCEPTIBILITY TO, 1. Last evaluated: 2001-10-01. Review status: no assertion criteria provided. Collection method: literature only. Allele origin: germline. Not counted in ClinVar's aggregate classification.

Department of Pathology and Laboratory Medicine, Sinai Health System
Classification: Pathogenic for Malignant tumor of breast. Review status: no assertion criteria provided. Collection method: clinical testing. Allele origin: unknown. Affected: yes. Observed: 2 variant alleles. Study: The Canadian Open Genetics Repository (COGR). Not counted in ClinVar's aggregate classification.
Comment: The p.Asn1018MetfsX8 variant was identified in the literature in 6 of 1714 proband chromosomes (frequency: 0.003) from individuals or families with Breast and Ovarian cancers (Hakansson 1997, Thomassen 2008, Kainu 1996, Bergman 2001). The variant was identified in dbSNP (ID: rs80357856) â€šÃ„ÃºWith pathogenic alleleâ€šÃ„Ã¹. In the Exome Aggregation Consortium (ExAC) database the variant was identified in 4 of 66706 European (Non-Finnish) alleles (frequency 6 x 10-5.) The variant was also identified in LOVD 2x classified as pathogenic; the ClinVar database (classified as a pathogenic variant by Ambry Genetics, GeneDx, Pathway Genetics, OMIM, Invitae and BIC); in the BIC database (46x with clinical importance, class 5 definitely pathogenic); in UMD (1x as a class 5 causal variant). In Clinvitae the variant was identified 5x as pathogenic The c.3048_3052dupTGAGA variant occurs outside of the splicing consensus sequence and in silico or computational prediction software programs (SpliceSiteFinder, MaxEntScan, NNSPLICE, GeneSplicer, HumanSpliceFinder) do not predict a difference in splicing. The p.Asn1018MetfsX8 duplication variant is predicted to cause a frameshift, which alters the protein's amino acid sequence beginning at codon 1018 and leads to a premature stop codon 8 codons downstream. This alteration is then predicted to result in a truncated or absent protein and loss of function. Loss of function variants of the BRCA1 gene are an established mechanism of disease in hereditary breast and ovarian cancer and is the type of variant expected to cause the disorder. In summary, based on the above information, this variant meets our laboratoryâ€šÃ„Ã´s criteria to be classified as pathogenic.

Literature cited by the submitters: PubMed 20104584 (cited by 4 submitters); PubMed 11781691 (cited by 7 submitters); PubMed 15951958 (cited by 5 submitters); PubMed 20151938 (cited by 3 submitters); PubMed 24504028 (cited by 5 submitters); PubMed 11576847 (cited by 4 submitters); PubMed 18413725 (cited by Ambry Genetics); PubMed 18465347 (cited by 6 submitters); PubMed 18559594 (cited by 5 submitters); PubMed 26833046 (cited by Ambry Genetics); PubMed 8644702 (cited by 5 submitters); PubMed 24728189 (cited by Women's Health and Genetics/Laboratory Corporation of America, LabCorp); PubMed 7837387 (cited by 4 submitters); PubMed 24240112 (cited by Women's Health and Genetics/Laboratory Corporation of America, LabCorp); PubMed 23199084 (cited by 3 submitters); PubMed 29446198 (cited by 3 submitters); PubMed 34680387 (cited by All of Us Research Program, National Institutes of Health and Color Diagnostics, LLC DBA Color Health); PubMed 29339979 (cited by Laboratory for Molecular Medicine, Mass General Brigham Personalized Medicine); PubMed 27836010 (cited by Laboratory for Molecular Medicine, Mass General Brigham Personalized Medicine); PubMed 9150154 (cited by Laboratory for Molecular Medicine, Mass General Brigham Personalized Medicine).